The following is an entry in ClinVar:

ClinVar aggregate classification (germline): Uncertain significance (1 of 4 stars; one submission).

Allele frequency attached by ClinVar (database versions not stated): TOPMed below 0.00001.
gnomAD v4.1: 3 of 1,614,146 alleles (0.00019%); highest among the groups gnomAD compares: South Asian, 0.0011%; no homozygotes.

Submission:

Labcorp Genetics (formerly Invitae), Labcorp
Classification: Uncertain significance. Last evaluated: 2022-07-23. Review status: criteria provided, single submitter. Criteria: Invitae Variant Classification Sherloc (09022015). Collection method: clinical testing. Allele origin: germline.
Comment: In summary, the available evidence is currently insufficient to determine the role of this variant in disease. Therefore, it has been classified as a Variant of Uncertain Significance. Algorithms developed to predict the effect of missense changes on protein structure and function output the following: SIFT: "Deleterious"; PolyPhen-2: "Possibly Damaging"; Align-GVGD: "Class C0". The glutamic acid amino acid residue is found in multiple mammalian species, which suggests that this missense change does not adversely affect protein function. This variant has not been reported in the literature in individuals affected with IRF9-related conditions. This variant is not present in population databases (gnomAD no frequency). This sequence change replaces glycine, which is neutral and non-polar, with glutamic acid, which is acidic and polar, at codon 23 of the IRF9 protein (p.Gly23Glu).

NM_006084.5(IRF9):c.68G>A (p.Gly23Glu)

Gene: IRF9 (interferon regulatory factor 9; plus strand). Cytogenetic location: 14q12.
Variant type: single nucleotide variant.
Coding change: c.68G>A on transcript NM_006084.5 (MANE Select); coding-DNA position 68, G replaced by A.
Protein change: p.Gly23Glu; replaces glycine 23 with glutamic acid.
Molecular consequence: missense variant.
Genome position (GRCh38, 1-based): chr14:24,162,212, G>A. VCF-style: chr14-24162212-G-A. GRCh37 (hg19) VCF-style: chr14-24631421-G-A.
Other names: c.68G>A, p.Gly23Glu (NM_001385400.1, NM_001385401.1, NM_001385402.1); short protein forms G23E.
Identifiers: ClinVar variation 1984331 (VCV001984331.4), dbSNP rs2038466273, ClinGen allele CA389199138.